The following is an entry in ClinVar:

NM_145054.5(CFAP52):c.244G>A (p.Gly82Arg)

Gene: CFAP52 (cilia and flagella associated protein 52; plus strand). Cytogenetic location: 17p13.1.
Variant type: single nucleotide variant.
Coding change: c.244G>A on transcript NM_145054.5 (MANE Select); coding-DNA position 244, G replaced by A.
Protein change: p.Gly82Arg; replaces glycine 82 with arginine.
Molecular consequence: missense variant. On other transcripts: intron variant (1).
Genome position (GRCh38, 1-based): chr17:9,585,946, G>A. VCF-style: chr17-9585946-G-A. GRCh37 (hg19) VCF-style: chr17-9489263-G-A.
Other names: c.71-756G>A (NM_001080556.2); short protein forms G82R.
Identifiers: ClinVar variation 1419105 (VCV001419105.8), dbSNP rs150136894, ClinGen allele CA8381799.

ClinVar aggregate classification (germline): Uncertain significance (1 of 4 stars; one submission).

Conditions:
Situs inversus. Also called: Situs inversus totalis. Identifiers: Orphanet 101063, MedGen C4551493, MONDO:0010029, HP:0001696.

Allele frequency attached by ClinVar (database versions not stated): TOPMed 0.00014; ESP Exome Variant Server 0.00015; 1000 Genomes Project 30x 0.00016; 1000 Genomes Project 0.00020; gnomAD exomes 0.00029 and 0.00033; gnomAD 0.00034 and 0.00036; ExAC 0.00038.
gnomAD v4.1: 470 of 1,613,576 alleles (0.029%); highest among the groups gnomAD compares: Non-Finnish European, 0.031%; no homozygotes.

Submission:

Labcorp Genetics (formerly Invitae), Labcorp
Classification: Uncertain significance for Situs inversus. Last evaluated: 2025-10-22. Review status: criteria provided, single submitter. Criteria: Invitae Variant Classification Sherloc (09022015). Collection method: clinical testing. Allele origin: germline.
Comment: This sequence change replaces glycine, which is neutral and non-polar, with arginine, which is basic and polar, at codon 82 of the CFAP52 protein (p.Gly82Arg). This variant is present in population databases (rs150136894, gnomAD 0.1%). This variant has not been reported in the literature in individuals affected with CFAP52-related conditions. ClinVar contains an entry for this variant (Variation ID: 1419105). An algorithm developed to predict the effect of missense changes on protein structure and function (PolyPhen-2) suggests that this variant is likely to be disruptive. In summary, the available evidence is currently insufficient to determine the role of this variant in disease. Therefore, it has been classified as a Variant of Uncertain Significance.